The following is an entry in ClinVar:

ClinVar aggregate classification (germline): Likely benign (1 of 4 stars; one submission).

Conditions:
BFSP1-related disorder. Also called: BFSP1-related condition.

gnomAD v4.1: 21 of 1,422,736 alleles (0.0015%); highest among the groups gnomAD compares: African/African-American, 0.0015%; no homozygotes.

Submission:

PreventionGenetics, part of Exact Sciences
Classification: Likely benign for BFSP1-related condition. Last evaluated: 2024-11-24. Review status: criteria provided, single submitter. Criteria: ACMG Guidelines, 2015. Collection method: clinical testing. Allele origin: germline.
Comment: This variant is classified as likely benign based on ACMG/AMP sequence variant interpretation guidelines (Richards et al. 2015 PMID: 25741868, with internal and published modifications).

NM_001195.5(BFSP1):c.297C>T (p.Val99=)

Gene: BFSP1 (beaded filament structural protein 1; minus strand). Cytogenetic location: 20p12.1.
Variant type: single nucleotide variant.
Coding change: c.297C>T on transcript NM_001195.5 (MANE Select); coding-DNA position 297, C replaced by T.
Protein change: p.Val99=; no amino-acid change (valine 99 retained).
Molecular consequence: synonymous variant. On other transcripts: intron variant (4).
Genome position (GRCh38, 1-based): chr20:17,531,033, G>A on the plus strand (C>T on the coding strand, the complement: BFSP1 is on the minus strand). VCF-style: chr20-17531033-G-A. GRCh37 (hg19) VCF-style: chr20-17511678-G-A.
Other names: c.297C>T, p.Val99= (NM_001424338.1); c.-40-6125C>T (NM_001278608.2, NM_001278606.2); c.45-6125C>T (NM_001278607.2); c.3-6125C>T (NM_001161705.2).
Identifiers: ClinVar variation 4980683 (VCV004980683.1).